The following is an entry in ClinVar:

ClinVar aggregate classification (germline): Uncertain significance (1 of 4 stars; one submission).

gnomAD v4.1: 2 of 1,612,868 alleles (0.00012%); highest among the groups gnomAD compares: East Asian, 0.0022%; no homozygotes.

Submission:

Dasa
Classification: Uncertain significance. Last evaluated: 2025-12-26. Review status: criteria provided, single submitter. Criteria: DASA Assertion Criteria. Collection method: clinical testing. Allele origin: germline.
Comment: NM_152383.5(DIS3L2):c.2074A>T (p.Asn692Tyr) is a missense variant that results in the substitution of asparagine with tyrosine. This variant is rare in population databases. The currently available literature and clinical evidence are not sufficient to establish a definitive association between this variant and the reported condition. Therefore, this variant is classified as a variant of uncertain significance.

NM_152383.5(DIS3L2):c.2074A>T (p.Asn692Tyr)

Gene: DIS3L2 (DIS3 like 3'-5' exoribonuclease 2; plus strand). Cytogenetic location: 2q37.1.
Variant type: single nucleotide variant.
Coding change: c.2074A>T on transcript NM_152383.5 (MANE Select); coding-DNA position 2074, A replaced by T.
Protein change: p.Asn692Tyr; replaces asparagine 692 with tyrosine.
Molecular consequence: missense variant. On other transcripts: non-coding transcript variant (2), intron variant (1).
Genome position (GRCh38, 1-based): chr2:232,333,903, A>T. VCF-style: chr2-232333903-A-T. GRCh37 (hg19) VCF-style: chr2-233198613-A-T.
Other names: c.1582-9442A>T (NM_001257281.2); short protein forms N692Y.
Identifiers: ClinVar variation 5020753 (VCV005020753.1).